The following is an entry in ClinVar:

NM_020937.4(FANCM):c.1540G>C (p.Gly514Arg)

Gene: FANCM (FA complementation group M; plus strand). Cytogenetic location: 14q21.2.
Variant type: single nucleotide variant.
Coding change: c.1540G>C on transcript NM_020937.4 (MANE Select); coding-DNA position 1540, G replaced by C.
Protein change: p.Gly514Arg; replaces glycine 514 with arginine.
Molecular consequence: missense variant.
Genome position (GRCh38, 1-based): chr14:45,159,239, G>C. VCF-style: chr14-45159239-G-C. GRCh37 (hg19) VCF-style: chr14-45628442-G-C.
Other names: c.1462G>C, p.Gly488Arg (NM_001308133.2); c.1540G>C, p.Gly514Arg (NM_001308134.2); short protein forms G488R, G514R.
Identifiers: ClinVar variation 2130521 (VCV002130521.4), dbSNP rs559846155, ClinGen allele CA389592668.

ClinVar aggregate classification (germline): Uncertain significance (1 of 4 stars; one submission).

Conditions:
Fanconi anemia (FA). Also called: Fanconi's anemia. Identifiers: Orphanet 84, MedGen C0015625, MeSH D005199, MONDO:0019391.

Submission:

Labcorp Genetics (formerly Invitae), Labcorp
Classification: Uncertain significance for Fanconi anemia. Last evaluated: 2022-04-25. Review status: criteria provided, single submitter. Criteria: Invitae Variant Classification Sherloc (09022015). Collection method: clinical testing. Allele origin: germline.
Comment: In summary, the available evidence is currently insufficient to determine the role of this variant in disease. Therefore, it has been classified as a Variant of Uncertain Significance. Algorithms developed to predict the effect of missense changes on protein structure and function are either unavailable or do not agree on the potential impact of this missense change (SIFT: "Tolerated"; PolyPhen-2: "Possibly Damaging"; Align-GVGD: "Class C0"). This variant has not been reported in the literature in individuals affected with FANCM-related conditions. This variant is not present in population databases (gnomAD no frequency). This sequence change replaces glycine, which is neutral and non-polar, with arginine, which is basic and polar, at codon 514 of the FANCM protein (p.Gly514Arg).